The following is an entry in ClinVar:

NM_006017.3(PROM1):c.2099A>G (p.Lys700Arg)

Gene: PROM1 (prominin 1; minus strand). Cytogenetic location: 4p15.32.
Variant type: single nucleotide variant.
Coding change: c.2099A>G on transcript NM_006017.3 (MANE Select); coding-DNA position 2099, A replaced by G.
Protein change: p.Lys700Arg; replaces lysine 700 with arginine.
Molecular consequence: missense variant.
Genome position (GRCh38, 1-based): chr4:15,987,694, T>C on the plus strand (A>G on the coding strand, the complement: PROM1 is on the minus strand). VCF-style: chr4-15987694-T-C. GRCh37 (hg19) VCF-style: chr4-15989317-T-C.
Other names: c.2072A>G, p.Lys691Arg (NM_001145847.2, NM_001145848.2, NM_001145851.2 and 4 more transcripts); c.2099A>G, p.Lys700Arg (NM_001145849.2, NM_001145850.2); short protein forms K691R, K700R.
Identifiers: ClinVar variation 1019804 (VCV001019804.8), dbSNP rs1433125980, ClinGen allele CA356429111.

ClinVar aggregate classification (germline): Uncertain significance (1 of 4 stars; one submission).

Allele frequency attached by ClinVar (database versions not stated): gnomAD exomes below 0.00001; gnomAD 0.00001; TOPMed 0.00001.
gnomAD v4.1: 3 of 1,611,602 alleles (0.00019%); highest among the groups gnomAD compares: East Asian, 0.0022%; no homozygotes.

Submission:

Labcorp Genetics (formerly Invitae), Labcorp
Classification: Uncertain significance. Last evaluated: 2022-10-03. Review status: criteria provided, single submitter. Criteria: Invitae Variant Classification Sherloc (09022015). Collection method: clinical testing. Allele origin: germline.
Comment: This variant is present in population databases (no rsID available, gnomAD 0.006%). In summary, the available evidence is currently insufficient to determine the role of this variant in disease. Therefore, it has been classified as a Variant of Uncertain Significance. Advanced modeling of protein sequence and biophysical properties (such as structural, functional, and spatial information, amino acid conservation, physicochemical variation, residue mobility, and thermodynamic stability) performed at Invitae indicates that this missense variant is not expected to disrupt PROM1 protein function. ClinVar contains an entry for this variant (Variation ID: 1019804). This variant has not been reported in the literature in individuals affected with PROM1-related conditions. This sequence change replaces lysine, which is basic and polar, with arginine, which is basic and polar, at codon 700 of the PROM1 protein (p.Lys700Arg).